The following is an entry in ClinVar:

NM_032043.3(BRIP1):c.661A>C (p.Thr221Pro)

Gene: BRIP1 (BRCA1 interacting DNA helicase 1; minus strand). Cytogenetic location: 17q23.2.
Variant type: single nucleotide variant.
Coding change: c.661A>C on transcript NM_032043.3 (MANE Select); coding-DNA position 661, A replaced by C.
Protein change: p.Thr221Pro; replaces threonine 221 with proline.
Molecular consequence: missense variant.
Genome position (GRCh38, 1-based): chr17:61,808,724, T>G on the plus strand (A>C on the coding strand, the complement: BRIP1 is on the minus strand). VCF-style: chr17-61808724-T-G. GRCh37 (hg19) VCF-style: chr17-59886085-T-G.
Other names: short protein forms T221P.
Identifiers: ClinVar variation 1001282 (VCV001001282.9), dbSNP rs777618772, ClinGen allele CA400485184.

ClinVar aggregate classification (germline): Uncertain significance. Review status: criteria provided, multiple submitters, no conflicts (2 of 4 stars). 2 submissions from 2 submitters: Uncertain significance (2). Last evaluated 2025-06-24.

Conditions:
Familial cancer of breast. Also called: hereditary breast carcinoma; BREAST CANCER, FAMILIAL; Hereditary breast cancer. Identifiers: Orphanet 227535, MedGen C0346153, MONDO:0016419, OMIM 114480. Disease mechanism: loss of function.
Fanconi anemia complementation group J. Also called: BRIP1-Related Fanconi Anemia. Identifiers: Orphanet 84, MedGen C1836860, MONDO:0012187, OMIM 609054.

Submissions (2):

Labcorp Genetics (formerly Invitae), Labcorp
Classification: Uncertain significance for Familial cancer of breast; Fanconi anemia complementation group J. Last evaluated: 2025-06-24. Review status: criteria provided, single submitter. Criteria: Invitae Variant Classification Sherloc (09022015). Collection method: clinical testing. Allele origin: germline.
Comment: This sequence change replaces threonine, which is neutral and polar, with proline, which is neutral and non-polar, at codon 221 of the BRIP1 protein (p.Thr221Pro). This variant is not present in population databases (gnomAD no frequency). This variant has not been reported in the literature in individuals affected with BRIP1-related conditions. ClinVar contains an entry for this variant (Variation ID: 1001282). Invitae Evidence Modeling of protein sequence and biophysical properties (such as structural, functional, and spatial information, amino acid conservation, physicochemical variation, residue mobility, and thermodynamic stability) indicates that this missense variant is not expected to disrupt BRIP1 protein function with a negative predictive value of 95%. In summary, the available evidence is currently insufficient to determine the role of this variant in disease. Therefore, it has been classified as a Variant of Uncertain Significance.

Neuberg Centre For Genomic Medicine, NCGM
Classification: Uncertain significance for Familial cancer of breast. Review status: criteria provided, single submitter. Criteria: ACMG Guidelines, 2015. Collection method: clinical testing. Allele origin: germline. Inheritance: Autosomal dominant inheritance. Affected: yes.
Comment: The missense variant in c.661A>C (p.Thr221Pro) in BRIP1 gene has not been reported previously as a pathogenic variant nor as a benign variant, to our knowledge. The p.Thr221Pro variant is novel (not in any individuals) in gnomAD Exomes and 1000 Genomes. The amino acid Thr at position 221 is changed to a Pro changing protein sequence and it might alter its composition and physico-chemical properties. This variant has been reported to the ClinVar database as Uncertain significance. The variant is predicted to be damaging by both SIFT and PolyPhen2. The residue is conserved across species. The amino acid change p.Asn541Asp in CACNA1E is predicted as conserved by GERP++ and PhyloP across 100 vertebrates. For these reasons, this variant has been classified as Uncertain Significance.